The following is an entry in ClinVar:

NM_002381.5(MATN3):c.752T>C (p.Ile251Thr)

Gene: MATN3 (matrilin 3; minus strand). Cytogenetic location: 2p24.1.
Variant type: single nucleotide variant.
Coding change: c.752T>C on transcript NM_002381.5 (MANE Select); coding-DNA position 752, T replaced by C.
Protein change: p.Ile251Thr; replaces isoleucine 251 with threonine.
Molecular consequence: missense variant.
Genome position (GRCh38, 1-based): chr2:20,005,782, A>G on the plus strand (T>C on the coding strand, the complement: MATN3 is on the minus strand). VCF-style: chr2-20005782-A-G. GRCh37 (hg19) VCF-style: chr2-20205543-A-G.
Other names: short protein forms I251T.
Identifiers: ClinVar variation 2156741 (VCV002156741.5), dbSNP rs368478331, ClinGen allele CA1543912.

ClinVar aggregate classification (germline): Uncertain significance. Review status: criteria provided, multiple submitters, no conflicts (2 of 4 stars). 2 submissions from 2 submitters: Uncertain significance (2). Last evaluated 2025-09-15.

Conditions:
Osteoarthritis susceptibility 2 (OS2). Identifiers: MedGen C3887526, MONDO:0007704, OMIM 140600.
Spondyloepimetaphyseal dysplasia, matrilin-3 type (SEMDBCD). Also called: Spondyloepimetaphyseal dysplasia, MATN3-related; SEMD, MATN3-RELATED. Identifiers: Orphanet 156728, MedGen C1837481, MONDO:0012108, OMIM 608728.
Multiple epiphyseal dysplasia type 5 (EDM5). Also called: Microepiphyseal dysplasia, bilateral hereditary; MATN3-Related Multiple Epiphyseal Dysplasia. Identifiers: Orphanet 93311, MedGen C1846843, MONDO:0011765, OMIM 607078.

Allele frequency attached by ClinVar (database versions not stated): gnomAD 0.00002; gnomAD exomes 0.00003; TOPMed 0.00003; ExAC 0.00006; ESP Exome Variant Server 0.00016.
gnomAD v4.1: 46 of 1,606,710 alleles (0.0029%); highest among the groups gnomAD compares: Non-Finnish European, 0.0037%; no homozygotes.

Submissions (2):

Labcorp Genetics (formerly Invitae), Labcorp
Classification: Uncertain significance. Last evaluated: 2025-09-15. Review status: criteria provided, single submitter. Criteria: Invitae Variant Classification Sherloc (09022015). Collection method: clinical testing. Allele origin: germline.
Comment: This sequence change replaces isoleucine, which is neutral and non-polar, with threonine, which is neutral and polar, at codon 251 of the MATN3 protein (p.Ile251Thr). This variant is present in population databases (rs368478331, gnomAD 0.004%). This variant has not been reported in the literature in individuals affected with MATN3-related conditions. ClinVar contains an entry for this variant (Variation ID: 2156741). Invitae Evidence Modeling of protein sequence and biophysical properties (such as structural, functional, and spatial information, amino acid conservation, physicochemical variation, residue mobility, and thermodynamic stability) indicates that this missense variant is expected to disrupt MATN3 protein function with a positive predictive value of 80%. In summary, the available evidence is currently insufficient to determine the role of this variant in disease. Therefore, it has been classified as a Variant of Uncertain Significance.

Department of Pathology and Laboratory Medicine, Sinai Health System
Classification: Uncertain significance for Osteoarthritis susceptibility 2; Multiple epiphyseal dysplasia type 5; Spondyloepimetaphyseal dysplasia, matrilin-3 type. Last evaluated: 2021-08-30. Review status: criteria provided, single submitter. Criteria: ACMG Guidelines, 2015. Collection method: research. Allele origin: germline.